The following is an entry in ClinVar:

ClinVar aggregate classification (germline): Uncertain significance (1 of 4 stars; one submission).

Conditions:
RFT1-congenital disorder of glycosylation (CDG1N). Also called: RFT1-CDG; CDG In; Congenital disorder of glycosylation type In. Identifiers: Orphanet 244310, MedGen C2677590, MONDO:0012783, OMIM 612015.

Allele frequency attached by ClinVar (database versions not stated): gnomAD 0.00001; gnomAD exomes 0.00001; ExAC 0.00002; 1000 Genomes Project 30x 0.00016; 1000 Genomes Project 0.00020.
gnomAD v4.1: 17 of 1,612,524 alleles (0.0011%); highest among the groups gnomAD compares: East Asian, 0.0045%; no homozygotes.

Submission:

Labcorp Genetics (formerly Invitae), Labcorp
Classification: Uncertain significance for RFT1-congenital disorder of glycosylation. Last evaluated: 2022-02-25. Review status: criteria provided, single submitter. Criteria: Invitae Variant Classification Sherloc (09022015). Collection method: clinical testing. Allele origin: germline.
Comment: This sequence change falls in intron 7 of the RFT1 gene. It does not directly change the encoded amino acid sequence of the RFT1 protein. It affects a nucleotide within the consensus splice site. This variant is present in population databases (rs75683204, gnomAD 0.006%). This variant has not been reported in the literature in individuals affected with RFT1-related conditions. Variants that disrupt the consensus splice site are a relatively common cause of aberrant splicing (PMID: 17576681, 9536098). Algorithms developed to predict the effect of sequence changes on RNA splicing suggest that this variant is not likely to affect RNA splicing. In summary, the available evidence is currently insufficient to determine the role of this variant in disease. Therefore, it has been classified as a Variant of Uncertain Significance.

Literature cited by the submitters: PubMed 17576681; PubMed 9536098.

NM_052859.4(RFT1):c.775+3A>G

Gene: RFT1 (RFT1 glycolipid translocator homolog; minus strand). Cytogenetic location: 3p21.1.
Variant type: single nucleotide variant.
Coding change: c.775+3A>G on transcript NM_052859.4 (MANE Select); 3 bases into the intron after coding-DNA position 775, A replaced by G.
Molecular consequence: intron variant.
Genome position (GRCh38, 1-based): chr3:53,111,827, T>C on the plus strand (A>G on the coding strand, the complement: RFT1 is on the minus strand). VCF-style: chr3-53111827-T-C. GRCh37 (hg19) VCF-style: chr3-53145843-T-C.
Identifiers: ClinVar variation 2069307 (VCV002069307.3), dbSNP rs75683204, ClinGen allele CA2451357.